The following is an entry in ClinVar:

ClinVar aggregate classification (germline): Uncertain significance. Review status: criteria provided, multiple submitters, no conflicts (2 of 4 stars). 2 submissions from 2 submitters: Uncertain significance (2). Last evaluated 2024-01-02.

Conditions:
Autoinflammatory syndrome. Identifiers: Orphanet 93665, MedGen C3890737, MONDO:0019751.
Griscelli syndrome type 2 (GS2). Also called: GRISCELLI SYNDROME WITH HEMOPHAGOCYTIC SYNDROME; PAID SYNDROME; PARTIAL ALBINISM AND IMMUNODEFICIENCY SYNDROME. Identifiers: Orphanet 381, Orphanet 79477, MedGen C1868679, MONDO:0011872, OMIM 607624.

Allele frequency attached by ClinVar (database versions not stated): gnomAD 0.00001; gnomAD exomes 0.00002; TOPMed 0.00002; ExAC 0.00003.
gnomAD v4.1: 16 of 1,611,594 alleles (0.00099%); highest among the groups gnomAD compares: Admixed American, 0.005%; no homozygotes.

Submissions (2):

Labcorp Genetics (formerly Invitae), Labcorp
Classification: Uncertain significance for Griscelli syndrome type 2. Last evaluated: 2024-01-02. Review status: criteria provided, single submitter. Criteria: Invitae Variant Classification Sherloc (09022015). Collection method: clinical testing. Allele origin: germline.
Comment: This sequence change replaces isoleucine, which is neutral and non-polar, with valine, which is neutral and non-polar, at codon 44 of the RAB27A protein (p.Ile44Val). This variant is present in population databases (rs763762181, gnomAD 0.009%). This variant has not been reported in the literature in individuals affected with RAB27A-related conditions. ClinVar contains an entry for this variant (Variation ID: 1523424). An algorithm developed to predict the effect of missense changes on protein structure and function (PolyPhen-2) suggests that this variant is likely to be disruptive. In summary, the available evidence is currently insufficient to determine the role of this variant in disease. Therefore, it has been classified as a Variant of Uncertain Significance.

Genome Diagnostics Laboratory, The Hospital for Sick Children
Classification: Uncertain significance for Autoinflammatory syndrome. Last evaluated: 2018-03-01. Review status: criteria provided, single submitter. Criteria: ACMG Guidelines, 2015. Collection method: clinical testing. Allele origin: germline. Affected: yes.

NM_183235.3(RAB27A):c.130A>G (p.Ile44Val)

Gene: RAB27A (RAB27A, member RAS oncogene family; minus strand). Cytogenetic location: 15q21.3.
Variant type: single nucleotide variant.
Coding change: c.130A>G on transcript NM_183235.3 (MANE Select); coding-DNA position 130, A replaced by G.
Protein change: p.Ile44Val; replaces isoleucine 44 with valine.
Molecular consequence: missense variant.
Genome position (GRCh38, 1-based): chr15:55,234,805, T>C on the plus strand (A>G on the coding strand, the complement: RAB27A is on the minus strand). VCF-style: chr15-55234805-T-C. GRCh37 (hg19) VCF-style: chr15-55527003-T-C.
Other names: c.130A>G, p.Ile44Val (NM_183236.3, NM_004580.5, NM_183234.3); short protein forms I44V.
Identifiers: ClinVar variation 1523424 (VCV001523424.9), dbSNP rs763762181, ClinGen allele CA7573703.